The following is an entry in ClinVar:

ClinVar aggregate classification (germline): Uncertain significance (1 of 4 stars; one submission).

gnomAD v4.1: 1 of 1,610,798 alleles (0.000062%); no homozygotes.

Submission:

Labcorp Genetics (formerly Invitae), Labcorp
Classification: Uncertain significance. Last evaluated: 2025-07-25. Review status: criteria provided, single submitter. Criteria: Invitae Variant Classification Sherloc (09022015). Collection method: clinical testing. Allele origin: germline.
Comment: This sequence change replaces cysteine, which is neutral and slightly polar, with serine, which is neutral and polar, at codon 942 of the PDE3A protein (p.Cys942Ser). This variant is not present in population databases (gnomAD no frequency). This variant has not been reported in the literature in individuals affected with PDE3A-related conditions. This missense change has been observed in at least one individual who was not affected with PDE3A-related conditions (internal data). An algorithm developed to predict the effect of missense changes on protein structure and function (PolyPhen-2) suggests that this variant is likely to be tolerated. In summary, the available evidence is currently insufficient to determine the role of this variant in disease. Therefore, it has been classified as a Variant of Uncertain Significance.

NM_000921.5(PDE3A):c.2825G>C (p.Cys942Ser)

Gene: PDE3A (phosphodiesterase 3A; plus strand). Cytogenetic location: 12p12.2.
Variant type: single nucleotide variant.
Coding change: c.2825G>C on transcript NM_000921.5 (MANE Select); coding-DNA position 2825, G replaced by C.
Protein change: p.Cys942Ser; replaces cysteine 942 with serine.
Molecular consequence: missense variant.
Genome position (GRCh38, 1-based): chr12:20,650,500, G>C. VCF-style: chr12-20650500-G-C. GRCh37 (hg19) VCF-style: chr12-20803434-G-C.
Other names: c.1859G>C, p.Cys620Ser (NM_001244683.2, NM_001378409.1); c.2519G>C, p.Cys840Ser (NM_001378407.1); c.1862G>C, p.Cys621Ser (NM_001378408.1); short protein forms C621S, C942S, C620S, C840S.
Identifiers: ClinVar variation 4720907 (VCV004720907.1).